The following is an entry in ClinVar:

ClinVar aggregate classification (germline): Uncertain significance (1 of 4 stars; one submission).

Conditions:
Neurofibromatosis, type 1 (NF1). Also called: VON RECKLINGHAUSEN DISEASE; Peripheral type neurofibromatosis; NEUROFIBROMATOSIS, TYPE I, SOMATIC; Neurofibromatosis, type I. Identifiers: Orphanet 636, MedGen C0027831, MONDO:0018975, OMIM 162200. Disease mechanism: loss of function.

gnomAD v4.1: 1 of 1,612,208 alleles (0.000062%); highest among the groups gnomAD compares: Non-Finnish European, 0.000085%; no homozygotes.

Submission:

Labcorp Genetics (formerly Invitae), Labcorp
Classification: Uncertain significance for Neurofibromatosis, type 1. Last evaluated: 2025-06-23. Review status: criteria provided, single submitter. Criteria: Invitae Variant Classification Sherloc (09022015). Collection method: clinical testing. Allele origin: germline.
Comment: This sequence change replaces cysteine, which is neutral and slightly polar, with arginine, which is basic and polar, at codon 2113 of the NF1 protein (p.Cys2113Arg). This variant is not present in population databases (gnomAD no frequency). This variant has not been reported in the literature in individuals affected with NF1-related conditions. ClinVar contains an entry for this variant (Variation ID: 3634587). Invitae Evidence Modeling of protein sequence and biophysical properties (such as structural, functional, and spatial information, amino acid conservation, physicochemical variation, residue mobility, and thermodynamic stability) indicates that this missense variant is expected to disrupt NF1 protein function with a positive predictive value of 95%. In summary, the available evidence is currently insufficient to determine the role of this variant in disease. Therefore, it has been classified as a Variant of Uncertain Significance.

NM_001042492.3(NF1):c.6400T>C (p.Cys2134Arg)

Gene: NF1 (neurofibromin 1; plus strand). Cytogenetic location: 17q11.2.
Variant type: single nucleotide variant.
Coding change: c.6400T>C on transcript NM_001042492.3 (MANE Select); coding-DNA position 6400, T replaced by C.
Protein change: p.Cys2134Arg; replaces cysteine 2134 with arginine.
Molecular consequence: missense variant.
Genome position (GRCh38, 1-based): chr17:31,336,887, T>C. VCF-style: chr17-31336887-T-C. GRCh37 (hg19) VCF-style: chr17-29663905-T-C.
Other names: c.6337T>C, p.Cys2113Arg (NM_000267.4); short protein forms C2134R, C2113R.
Identifiers: ClinVar variation 3634587 (VCV003634587.2).